The following is an entry in ClinVar:

NM_007294.4(BRCA1):c.198T>A (p.Asn66Lys)

Gene: BRCA1 (BRCA1 DNA repair associated; minus strand). Cytogenetic location: 17q21.31.
Variant type: single nucleotide variant.
Coding change: c.198T>A on transcript NM_007294.4 (MANE Select); coding-DNA position 198, T replaced by A.
Protein change: p.Asn66Lys; replaces asparagine 66 with lysine.
Molecular consequence: missense variant.
Genome position (GRCh38, 1-based): chr17:43,106,470, A>T on the plus strand (T>A on the coding strand, the complement: BRCA1 is on the minus strand). VCF-style: chr17-43106470-A-T. GRCh37 (hg19) VCF-style: chr17-41258487-A-T.
Other names: c.57T>A, p.Asn19Lys (NM_001407744.1, NM_001407745.1, NM_001407746.1 and 99 more transcripts); c.198T>A, p.Asn66Lys (NM_001407854.1, NM_001407858.1, NM_001407859.1 and 168 more transcripts); short protein forms N66K, N19K.
Identifiers: ClinVar variation 820472 (VCV000820472.9), dbSNP rs878854936, ClinGen allele CA10601771.

ClinVar aggregate classification (germline): Conflicting classifications of pathogenicity. Review status: criteria provided, conflicting classifications (1 of 4 stars). 3 submissions from 3 submitters: Uncertain significance (2); Likely benign (1). Last evaluated 2024-04-12.

Conditions:
Hereditary cancer-predisposing syndrome. Also called: Hereditary Cancer Syndrome; Hereditary neoplastic syndrome; Neoplastic Syndromes, Hereditary; Tumor predisposition. Identifiers: Orphanet 140162, MedGen C0027672, MeSH D009386, MONDO:0015356.
Breast-ovarian cancer, familial, susceptibility to, 1 (BROVCA1). Also called: OVARIAN CANCER, SUSCEPTIBILITY TO; BRCA1 Hereditary Breast and Ovarian Cancer. Identifiers: Orphanet 145, MedGen C2676676, MONDO:0011450, OMIM 604370. Disease mechanism: loss of function.

gnomAD v4.1: 5 of 1,597,900 alleles (0.00031%); highest among the groups gnomAD compares: Non-Finnish European, 0.00043%; no homozygotes.

Submissions (4):

Lupski Lab, Baylor-Hopkins CMG, Baylor College of Medicine
Classification: Likely benign for Breast-ovarian cancer, familial, susceptibility to, 1. Last evaluated: 2024-04-12. Review status: criteria provided, single submitter. Criteria: Dawood et al. (medRxiv. 2024). Collection method: curation. Allele origin: germline.
Comment: Each variant was annotated with functional scores from MAVE data which was translated into functional evidence codes. All other evidence codes and combining criteria were adhered to as closely as possible based on the ClinGen VCEP (Variant Curation Expert Panel) gene-specific recommendations. See Supplemental Figure 34 of final paper (Supp Fig. 28 in preprint: doi:10.1101/2024.04.11.24305690) for a table to see which lines of evidence we did not have data for. The ClinGen VCEPs are highly regarded as the gold-standard for gene-specific variant curation and are developed after extensive evaluation of the evidence by clinical and scientific experts for the particular gene to classify genomic variants on a spectrum from pathogenic to benign using the 2015 ACMG/AMP Variant Interpretation Guidelines as a backbone (PMID: 25741868). Reclassification of these VUS variants from gnomAD or All of Us focused only on variants originally prescribed as VUS in ClinVar. To ensure reproducibility, transparency, and increased throughput, all the procedures for annotating variants and assigning evidence codes were codified using Python. All code has been made freely available and is linked in the Code Availability section and all reclassified variants with evidence codes used can be found in Tables S18-19 (preprint: doi:10.1101/2024.04.11.24305690). For the MAVE data, the clinical curation and clinical strength assignment as per the ClinGen recommendations in Brnich et al. (2020) (PMID: 31892348) for or against pathogenicity or benignity of each of these MAVE datasets utilized in this study were previously published in Fayer et al. (2021) (PMID: 34793697).In brief, for BRCA1 variants, if a variant was categorized as FUNC (functional), it was assigned BS3 evidence and no PS3 evidence, whereas if it was categorized as LOF (loss of function), the variant was assigned PS3 evidence and no BS3 evidence. Variants categorized as INT (intermediate) were left unannotated. For the BRCA1 combining criteria, greater than or equal to 1 criteria of strong benign evidence was enough to reclassify the VUS as Likely Benign. This variant GRCh38:17:43106470:A>T was assigned evidence codes ['BS3', 'BP4'] and an overall classification of Likely benign

All of Us Research Program, National Institutes of Health
Classification: Uncertain significance for Breast-ovarian cancer, familial, susceptibility to, 1. Last evaluated: 2023-02-24. Review status: criteria provided, single submitter. Criteria: ACMG Guidelines, 2015. Collection method: clinical testing. Allele origin: germline. Inheritance: Autosomal dominant inheritance. Observed: 1 variant allele, 1 heterozygote.
Comment: This missense variant replaces asparagine with lysine at codon 66 of the BRCA1 protein. Computational prediction is inconclusive regarding the impact of this variant on protein structure and function (internally defined REVEL score threshold 0.5 < inconclusive < 0.7, PMID: 27666373). This variant has been reported to be functional in a haploid cell proliferation assay (PMID: 30209399). This variant has not been reported in individuals affected with hereditary cancer in the literature. This variant has not been identified in the general population by the Genome Aggregation Database (gnomAD). The available evidence is insufficient to determine the role of this variant in disease conclusively. Therefore, this variant is classified as a Variant of Uncertain Significance.

This study involves interpretation of variants in research participants for the purpose of population health screening. Participant phenotype was not available at the time of variant classification. Additional details can be found in publication PMID: 35346344, PMCID: PMC8962531

Ambry Genetics
Classification: Uncertain significance for Hereditary cancer-predisposing syndrome. Last evaluated: 2018-10-03. Review status: criteria provided, single submitter. Criteria: Ambry Variant Classification Scheme 2023. Collection method: clinical testing. Allele origin: germline.
Comment: The p.N66K variant (also known as c.198T>A), located in coding exon 3 of the BRCA1 gene, results from a T to A substitution at nucleotide position 198. The asparagine at codon 66 is replaced by lysine, an amino acid with similar properties. This amino acid position is well conserved in available vertebrate species. In addition, the in silico prediction for this alteration is inconclusive. Since supporting evidence is limited at this time, the clinical significance of this alteration remains unclear.

Brotman Baty Institute, University of Washington
No classification provided (evidence only). Condition: Breast-ovarian cancer, familial 1. Review status: no classification provided. Collection method: in vitro. Allele origin: not applicable. Functional consequence: functionally_normal. Not counted in ClinVar's aggregate classification.
ClinVar note: "not provided" was previously submitted as the classification for the variant. However, the classification appeared to be based only on an observation of functional data so it was converted to no classification on 2025-07-30.

Literature cited by the submitters: PubMed 39142283 (cited by Lupski Lab, Baylor-Hopkins CMG, Baylor College of Medicine); PubMed 34793697 (cited by Lupski Lab, Baylor-Hopkins CMG, Baylor College of Medicine); DOI 10.1101/2024.04.11.24305690 (cited by Lupski Lab, Baylor-Hopkins CMG, Baylor College of Medicine); PubMed 30209399 (cited by All of Us Research Program, National Institutes of Health).